The following is an entry in ClinVar:

ClinVar aggregate classification (germline): Pathogenic. Review status: criteria provided, multiple submitters, no conflicts (2 of 4 stars). 7 submissions from 7 submitters: Pathogenic (7). Last evaluated 2025-10-23.

Conditions:
Pyridoxine-dependent epilepsy (EPEO4). Also called: EPILEPSY, EARLY-ONSET, 4, VITAMIN B6-DEPENDENT; PYRIDOXINE DEPENDENCY WITH SEIZURES; Pyridoxine-Dependent Seizures; Pyridoxine-Dependent Epilepsy - ALDH7A1. Identifiers: Orphanet 3006, MedGen C1849508, MONDO:0009945, OMIM 266100. Disease mechanism: loss of function.
ALDH7A1-related disorder. Also called: ALDH7A1-related condition.

Allele frequency attached by ClinVar (database versions not stated): gnomAD exomes 0.00001.
gnomAD v4.1: 17 of 1,614,036 alleles (0.0011%); highest among the groups gnomAD compares: Non-Finnish European, 0.0014%; no homozygotes.

Submissions (7):

Labcorp Genetics (formerly Invitae), Labcorp
Classification: Pathogenic for Pyridoxine-dependent epilepsy. Last evaluated: 2025-10-23. Review status: criteria provided, single submitter. Criteria: Invitae Variant Classification Sherloc (09022015). Collection method: clinical testing. Allele origin: germline.
Comment: This sequence change creates a premature translational stop signal (p.Arg266*) in the ALDH7A1 gene. It is expected to result in an absent or disrupted protein product. Loss-of-function variants in ALDH7A1 are known to be pathogenic (PMID: 16491085, 20554659). This variant is present in population databases (no rsID available, gnomAD 0.002%). This premature translational stop signal has been observed in individuals with pyridoxine-dependent epilepsy (PMID: 19128417, 20554659). This variant is also known as c.712C>T (p.R238X). ClinVar contains an entry for this variant (Variation ID: 465333). Algorithms developed to predict the effect of sequence changes on RNA splicing suggest that this variant may disrupt the consensus splice site. For these reasons, this variant has been classified as Pathogenic.

GeneDx
Classification: Pathogenic. Last evaluated: 2024-04-26. Review status: criteria provided, single submitter. Criteria: GeneDx Variant Classification Process June 2021. Collection method: clinical testing. Allele origin: germline. Affected: yes.
Comment: Observed multiple times with a pathogenic variant in published literature, but it is not known whether the variants occurred on the same (in cis) or on different (in trans) chromosomes in some cases (described as R238X due to the use of alternative nomenclature) (PMID: 29875223, 27342130, 26555630); Nonsense variant predicted to result in protein truncation or nonsense mediated decay in a gene for which loss-of-function is a known mechanism of disease; Not observed at significant frequency in large population cohorts (gnomAD); This variant is associated with the following publications: (PMID: 25525159, 31440721, 29401530, 27342130, 26555630, 31737911, 20554659, 30043187, 29875223, 19128417)

Genome-Nilou Lab
Classification: Pathogenic for Pyridoxine-dependent epilepsy. Last evaluated: 2023-04-11. Review status: criteria provided, single submitter. Criteria: ACMG Guidelines, 2015. Collection method: clinical testing. Allele origin: germline. Affected: no.

Revvity Omics, Revvity
Classification: Pathogenic for Pyridoxine-dependent epilepsy. Last evaluated: 2022-03-07. Review status: criteria provided, single submitter. Criteria: ACMG Guidelines, 2015. Collection method: clinical testing. Allele origin: germline.

Laboratorio de Genetica e Diagnostico Molecular, Hospital Israelita Albert Einstein
Classification: Pathogenic. Last evaluated: 2021-02-19. Review status: criteria provided, single submitter. Criteria: ACMG Guidelines, 2015. Collection method: clinical testing. Allele origin: germline. Affected: yes.
Comment: ACMG classification criteria: PVS1, PS4, PM2, PM3

Blueprint Genetics
Classification: Pathogenic for ALDH7A1-related disorders. Last evaluated: 2019-06-28. Review status: criteria provided, single submitter. Criteria: ACMG Guidelines, 2015. Collection method: clinical testing. Allele origin: germline. Affected: yes. Observed: 3 variant alleles.

CeGaT Center for Human Genetics Tuebingen
Classification: Pathogenic. Last evaluated: 2017-01-01. Review status: criteria provided, single submitter. Criteria: CeGaT Center For Human Genetics Tuebingen Variant Classification Criteria Version 2. Collection method: clinical testing. Allele origin: germline. Affected: yes. Observed: 1 variant allele.

Literature cited by the submitters: PubMed 16491085 (cited by Labcorp Genetics (formerly Invitae), Labcorp); PubMed 20554659 (cited by Labcorp Genetics (formerly Invitae), Labcorp); PubMed 19128417 (cited by Labcorp Genetics (formerly Invitae), Labcorp).

NM_001182.5(ALDH7A1):c.796C>T (p.Arg266Ter)

Gene: ALDH7A1 (aldehyde dehydrogenase 7 family member A1; minus strand). Cytogenetic location: 5q23.2.
Variant type: single nucleotide variant.
Coding change: c.796C>T on transcript NM_001182.5 (MANE Select); coding-DNA position 796, C replaced by T.
Protein change: p.Arg266Ter; replaces arginine 266 with a stop codon.
Molecular consequence: nonsense.
Genome position (GRCh38, 1-based): chr5:126,568,334, G>A on the plus strand (C>T on the coding strand, the complement: ALDH7A1 is on the minus strand). VCF-style: chr5-126568334-G-A. GRCh37 (hg19) VCF-style: chr5-125904026-G-A.
Other names: c.712C>T, p.Arg238Ter (NM_001201377.2); c.796C>T, p.Arg266Ter (NM_001202404.2); short protein forms R266*, R238*.
Identifiers: ClinVar variation 465333 (VCV000465333.58), dbSNP rs1270423610, ClinGen allele CA360729452.